The following is an entry in ClinVar:

ClinVar aggregate classification (germline): Uncertain significance (1 of 4 stars; one submission).

Conditions:
Familial thoracic aortic aneurysm and aortic dissection (TAAD). Also called: Thoracic aortic aneurysms and dissections. Identifiers: Orphanet 91387, MedGen C4707243, MONDO:0019625.

Allele frequency attached by ClinVar (database versions not stated): gnomAD exomes below 0.00001; ExAC 0.00001; gnomAD 0.00001.
gnomAD v4.1: 2 of 1,614,140 alleles (0.00012%); highest among the groups gnomAD compares: East Asian, 0.0045%; no homozygotes.

Submission:

Ambry Genetics
Classification: Uncertain significance for Familial thoracic aortic aneurysm and aortic dissection. Last evaluated: 2025-07-13. Review status: criteria provided, single submitter. Criteria: Ambry Variant Classification Scheme 2023. Collection method: clinical testing. Allele origin: germline.
Comment: The p.G262S variant (also known as c.784G>A), located in coding exon 2 of the SLC2A10 gene, results from a G to A substitution at nucleotide position 784. The glycine at codon 262 is replaced by serine, an amino acid with similar properties. This amino acid position is highly conserved in available vertebrate species. In addition, this alteration is predicted to be deleterious by in silico analysis. Since supporting evidence is limited at this time, the clinical significance of this alteration remains unclear.

NM_030777.4(SLC2A10):c.784G>A (p.Gly262Ser)

Gene: SLC2A10 (solute carrier family 2 member 10; plus strand). Cytogenetic location: 20q13.12.
Variant type: single nucleotide variant.
Coding change: c.784G>A on transcript NM_030777.4 (MANE Select); coding-DNA position 784, G replaced by A.
Protein change: p.Gly262Ser; replaces glycine 262 with serine.
Molecular consequence: missense variant.
Genome position (GRCh38, 1-based): chr20:46,725,820, G>A. VCF-style: chr20-46725820-G-A. GRCh37 (hg19) VCF-style: chr20-45354459-G-A.
Other names: short protein forms G262S.
Identifiers: ClinVar variation 1760883 (VCV001760883.3), dbSNP rs745895925, ClinGen allele CA9892042.
Genomic context (GRCh38, chr20:46,725,820, plus strand): 5'-CAGCAACTAACAGGGCAGCCCAACGTGCTGTGCTATGCCTCCACCATCTTCAGCTCCGTT[G>A]GTTTCCATGGGGGATCCTCAGCCGTGCTGGCCTCTGTGGGGCTTGGCGCAGTGAAGGTGG-3'
Protein context (NP_110404.1, residues 252-272): CYASTIFSSV[Gly262Ser]FHGGSSAVLA